The following is an entry in ClinVar:

NM_015107.3(PHF8):c.817A>G (p.Asn273Asp)

Gene: PHF8 (PHD finger protein 8; minus strand). Cytogenetic location: Xp11.22.
Variant type: single nucleotide variant.
Coding change: c.817A>G on transcript NM_015107.3 (MANE Select); coding-DNA position 817, A replaced by G.
Protein change: p.Asn273Asp; replaces asparagine 273 with aspartic acid.
Molecular consequence: missense variant.
Genome position (GRCh38, 1-based): chrX:54,011,251, T>C on the plus strand (A>G on the coding strand, the complement: PHF8 is on the minus strand). VCF-style: chrX-54011251-T-C. GRCh37 (hg19) VCF-style: chrX-54037684-T-C.
Other names: c.925A>G, p.Asn309Asp (NM_001184896.1); c.817A>G, p.Asn273Asp (NM_001184897.2, NM_001184898.2); short protein forms N309D, N273D.
Identifiers: ClinVar variation 2543677 (VCV002543677.5), dbSNP rs1557106685, ClinGen allele CA413242489.

ClinVar aggregate classification (germline): Uncertain significance. Review status: criteria provided, multiple submitters, no conflicts (2 of 4 stars). 3 submissions from 3 submitters: Uncertain significance (3). Last evaluated 2025-12-05.

Conditions:
Inborn genetic diseases. Identifiers: MedGen C0950123, MeSH D030342.

Allele frequency attached by ClinVar (database versions not stated): gnomAD exomes below 0.00001; TOPMed below 0.00001.
gnomAD v4.1: 3 of 1,210,292 alleles (0.00025%); highest among the groups gnomAD compares: Admixed American, 0.0043%; no homozygotes.

Submissions (3):

GeneDx
Classification: Uncertain significance. Last evaluated: 2025-12-05. Review status: criteria provided, single submitter. Criteria: GeneDx Variant Classification Process June 2021. Collection method: clinical testing. Allele origin: germline. Affected: yes.
Comment: In silico analysis suggests that this missense variant does not alter protein structure/function; Has not been previously published as pathogenic or benign to our knowledge

Greenwood Genetic Center Diagnostic Laboratories, Greenwood Genetic Center
Classification: Uncertain significance. Last evaluated: 2023-08-03. Review status: criteria provided, single submitter. Criteria: ACMG Guidelines, 2015. Collection method: clinical testing. Allele origin: germline. Affected: yes.
Comment: PM2, PP2

Ambry Genetics
Classification: Uncertain significance for Inborn genetic diseases. Last evaluated: 2023-05-04. Review status: criteria provided, single submitter. Criteria: Ambry Variant Classification Scheme 2023. Collection method: clinical testing. Allele origin: germline.